The following is an entry in ClinVar:

ClinVar aggregate classification (germline): Uncertain significance (1 of 4 stars; one submission).

Conditions:
Hereditary cancer-predisposing syndrome. Also called: Tumor predisposition; Neoplastic Syndromes, Hereditary; Hereditary neoplastic syndrome; Hereditary Cancer Syndrome. Identifiers: Orphanet 140162, MedGen C0027672, MeSH D009386, MONDO:0015356.

Submission:

Ambry Genetics
Classification: Uncertain significance for Hereditary cancer-predisposing syndrome. Last evaluated: 2025-07-28. Review status: criteria provided, single submitter. Criteria: Ambry Variant Classification Scheme 2023. Collection method: clinical testing. Allele origin: germline.
Comment: The p.V458A variant (also known as c.1373T>C), located in coding exon 12 of the MRE11A gene, results from a T to C substitution at nucleotide position 1373. The valine at codon 458 is replaced by alanine, an amino acid with similar properties. This amino acid position is conserved. In addition, the in silico prediction for this alteration is inconclusive. Based on the available evidence, the clinical significance of this variant remains unclear.

NM_005591.4(MRE11):c.1373T>C (p.Val458Ala)

Gene: MRE11 (MRE11 double strand break repair nuclease; minus strand). Cytogenetic location: 11q21.
Variant type: single nucleotide variant.
Coding change: c.1373T>C on transcript NM_005591.4 (MANE Select); coding-DNA position 1373, T replaced by C.
Protein change: p.Val458Ala; replaces valine 458 with alanine.
Molecular consequence: missense variant.
Genome position (GRCh38, 1-based): chr11:94,459,535, A>G on the plus strand (T>C on the coding strand, the complement: MRE11 is on the minus strand). VCF-style: chr11-94459535-A-G. GRCh37 (hg19) VCF-style: chr11-94192701-A-G.
Other names: c.1373T>C, p.Val458Ala (NM_001440465.1, NM_001440466.1, NM_001440467.1 and 15 more transcripts); c.1298T>C, p.Val433Ala (NM_001440471.1, NM_001440472.1, NM_001440479.1); c.1292T>C, p.Val431Ala (NM_001440473.1, NM_001440477.1, NM_001440478.1); c.1028T>C, p.Val343Ala (NM_001440484.1, NM_001440482.1, NM_001440483.1); c.905T>C, p.Val302Ala (NM_001440485.1, NM_001440486.1, NM_001440487.1); short protein forms V431A, V458A, V343A, V433A, V302A.
Identifiers: ClinVar variation 4110091 (VCV004110091.1).